The following is an entry in ClinVar:

ClinVar aggregate classification (germline): Conflicting classifications of pathogenicity. Review status: criteria provided, conflicting classifications (1 of 4 stars). 2 submissions from 2 submitters: Uncertain significance (1); Benign (1). Last evaluated 2026-08-01.

Submissions (2):

CeGaT Center for Human Genetics Tuebingen
Classification: Benign. Last evaluated: 2026-08-01. Review status: criteria provided, single submitter. Criteria: CeGaT Center For Human Genetics Tuebingen Variant Classification Criteria Version 2. Collection method: clinical testing. Allele origin: germline. Affected: yes. Observed: 24 variant alleles.
Comment: MAX: BS1, BS2

Institute for Clinical Genetics, University Hospital TU Dresden, University Hospital TU Dresden
Classification: Uncertain significance. Last evaluated: 2021-11-03. Review status: criteria provided, single submitter. Criteria: ACMG Guidelines, 2015. Collection method: clinical testing. Allele origin: germline.

NM_002382.5(MAX):c.-126AGTG[4]

Genes: MAX (MYC associated transcriptional regulator X; minus strand), LOC130055850 (ATAC-STARR-seq lymphoblastoid silent region 5847; plus strand). Cytogenetic location: 14q23.3.
Variant type: Microsatellite.
Coding change: c.-126AGTG[4] on transcript NM_002382.5 (MANE Select); four copies in a row of the 4-base unit AGTG starting at c.-126; the reference has five copies in a row; one copy, 4 bases deleted.
Molecular consequence: 5 prime UTR variant.
Genome position (GRCh38, 1-based): chr14:65,102,446-65,102,449, CACT deleted on the plus strand (AGTG on the coding strand, the reverse complement: MAX is on the minus strand); deleting any 4 consecutive bases within chr14:65,102,446-65,102,466 gives the same sequence; the position shown is the placement nearest the transcript's 3' end. VCF-style (leftmost placement, unchanged base first): chr14-65102445-ACACT-A. GRCh37 (hg19) VCF-style: chr14-65569163-ACACT-A.
Other names: c.-126AGTG[4] (NM_001271068.2, NM_001271069.2, NM_145112.3 and 3 more transcripts); c.-400AGTG[4] (NM_001320415.2).
Identifiers: ClinVar variation 313828 (VCV000313828.39), dbSNP rs556734672, ClinGen allele CA10635108.